The following is an entry in ClinVar:

NM_001040113.2(MYH11):c.5822A>C (p.Gln1941Pro)

Genes: NDE1 (nudE neurodevelopment protein 1; plus strand), MYH11 (myosin heavy chain 11; minus strand). Cytogenetic location: 16p13.11.
Variant type: single nucleotide variant.
Coding change: c.5822A>C on transcript NM_001040113.2 (MANE Plus Clinical); coding-DNA position 5822, A replaced by C.
Protein change: p.Gln1941Pro; replaces glutamine 1941 with proline.
Molecular consequence: missense variant. On other transcripts: intron variant (4).
Genome position (GRCh38, 1-based): chr16:15,708,827, T>G on the plus strand (A>C on the coding strand, the complement: MYH11 is on the minus strand). VCF-style: chr16-15708827-T-G. GRCh37 (hg19) VCF-style: chr16-15802684-T-G.
Other names: c.5801A>C, p.Gln1934Pro (NM_022844.3); c.947+11967T>G (NM_001143979.2, NM_017668.3); c.5787-4704A>C (NM_002474.3); c.5808-4704A>C (NM_001040114.2); short protein forms Q1934P, Q1941P.
Identifiers: ClinVar variation 4754091 (VCV004754091.1).
Genomic context (GRCh38, chr16:15,708,827, plus strand): 5'-AGACAACACACAGCTGCGAAGCTGAAGGCATGATACCTGGTGCATCACTGCGAAGTTTCC[T>G]GTGGGGGGGGCCCTCTGAAACAGAGAGAGAATCCCCGGAGGTTACCATCAGCAAACAAGA-3'
Protein context (NP_001035202.1, residues 1931-1945): LKSKLRGPPP[Gln1941Pro]ETSQ

ClinVar aggregate classification (germline): Uncertain significance (1 of 4 stars; one submission).

Conditions:
Aortic aneurysm, familial thoracic 4 (AAT4). Also called: AORTIC ANEURYSM/AORTIC DISSECTION AND PATENT DUCTUS ARTERIOSUS. Identifiers: MedGen C1851504, MONDO:0007568, OMIM 132900.

gnomAD v4.1: 1 of 1,610,146 alleles (0.000062%); highest among the groups gnomAD compares: Non-Finnish European, 0.000085%; no homozygotes.

Submission:

Labcorp Genetics (formerly Invitae), Labcorp
Classification: Uncertain significance for Aortic aneurysm, familial thoracic 4. Last evaluated: 2025-10-14. Review status: criteria provided, single submitter. Criteria: Invitae Variant Classification Sherloc (09022015). Collection method: clinical testing. Allele origin: germline.
Comment: This sequence change replaces glutamine, which is neutral and polar, with proline, which is neutral and non-polar, at codon 1941 of the MYH11 protein (p.Gln1941Pro). This variant is not present in population databases (gnomAD no frequency). This variant has not been reported in the literature in individuals affected with MYH11-related conditions. An algorithm developed to predict the effect of missense changes on protein structure and function (PolyPhen-2) suggests that this variant is likely to be tolerated. In summary, the available evidence is currently insufficient to determine the role of this variant in disease. Therefore, it has been classified as a Variant of Uncertain Significance.